The following is an entry in ClinVar:

NM_000455.5(STK11):c.244A>G (p.Lys82Glu)

Gene: STK11 (serine/threonine kinase 11; plus strand). Cytogenetic location: 19p13.3.
Variant type: single nucleotide variant.
Coding change: c.244A>G on transcript NM_000455.5 (MANE Select); coding-DNA position 244, A replaced by G.
Protein change: p.Lys82Glu; replaces lysine 82 with glutamic acid.
Molecular consequence: missense variant.
Genome position (GRCh38, 1-based): chr19:1,207,157, A>G. VCF-style: chr19-1207157-A-G. GRCh37 (hg19) VCF-style: chr19-1207156-A-G.
Other names: c.244A>G, p.Lys82Glu (NM_001407255.1); short protein forms K82E.
Identifiers: ClinVar variation 1791450 (VCV001791450.2), dbSNP rs2145405773, ClinGen allele CA402944481.

ClinVar aggregate classification (germline): Uncertain significance (1 of 4 stars; one submission).

Conditions:
Hereditary cancer-predisposing syndrome. Also called: Hereditary Cancer Syndrome; Hereditary neoplastic syndrome; Tumor predisposition; Neoplastic Syndromes, Hereditary. Identifiers: Orphanet 140162, MedGen C0027672, MeSH D009386, MONDO:0015356.

Submission:

Ambry Genetics
Classification: Uncertain significance for Hereditary cancer-predisposing syndrome. Last evaluated: 2020-10-28. Review status: criteria provided, single submitter. Criteria: Ambry Variant Classification Scheme 2023. Collection method: clinical testing. Allele origin: germline.
Comment: The p.K82E variant (also known as c.244A>G), located in coding exon 1 of the STK11 gene, results from an A to G substitution at nucleotide position 244. The lysine at codon 82 is replaced by glutamic acid, an amino acid with similar properties. This amino acid position is highly conserved in available vertebrate species. In addition, the in silico prediction for this alteration is inconclusive. Since supporting evidence is limited at this time, the clinical significance of this alteration remains unclear.